The following is an entry in ClinVar:

ClinVar aggregate classification (germline): Uncertain significance (1 of 4 stars; one submission).

Allele frequency attached by ClinVar (database versions not stated): gnomAD exomes below 0.00001.
gnomAD v4.1: 1 of 1,211,654 alleles (0.000083%); highest among the groups gnomAD compares: Non-Finnish European, 0.00011%; no homozygotes.

Submission:

Labcorp Genetics (formerly Invitae), Labcorp
Classification: Uncertain significance. Last evaluated: 2022-04-12. Review status: criteria provided, single submitter. Criteria: Invitae Variant Classification Sherloc (09022015). Collection method: clinical testing. Allele origin: germline.
Comment: In summary, the available evidence is currently insufficient to determine the role of this variant in disease. Therefore, it has been classified as a Variant of Uncertain Significance. Algorithms developed to predict the effect of missense changes on protein structure and function (SIFT, PolyPhen-2, Align-GVGD) all suggest that this variant is likely to be tolerated. This variant has not been reported in the literature in individuals affected with SH3KBP1-related conditions. This variant is not present in population databases (gnomAD no frequency). This sequence change replaces aspartic acid, which is acidic and polar, with glycine, which is neutral and non-polar, at codon 221 of the SH3KBP1 protein (p.Asp221Gly).

NM_031892.3(SH3KBP1):c.662A>G (p.Asp221Gly)

Gene: SH3KBP1 (SH3 domain containing kinase binding protein 1; minus strand). Cytogenetic location: Xp22.12.
Variant type: single nucleotide variant.
Coding change: c.662A>G on transcript NM_031892.3 (MANE Select); coding-DNA position 662, A replaced by G.
Protein change: p.Asp221Gly; replaces aspartic acid 221 with glycine.
Molecular consequence: missense variant.
Genome position (GRCh38, 1-based): chrX:19,683,887, T>C on the plus strand (A>G on the coding strand, the complement: SH3KBP1 is on the minus strand). VCF-style: chrX-19683887-T-C. GRCh37 (hg19) VCF-style: chrX-19702005-T-C.
Other names: c.551A>G, p.Asp184Gly (NM_001024666.3); c.662A>G, p.Asp221Gly (NM_001353890.2); c.737A>G, p.Asp246Gly (NM_001353891.2, NM_001353892.2); c.560A>G, p.Asp187Gly (NM_001353893.2, NM_001353894.2); c.617A>G, p.Asp206Gly (NM_001353895.2); c.794A>G, p.Asp265Gly (NM_001410756.1, NM_001410757.1); c.485A>G, p.Asp162Gly (NM_001410758.1); short protein forms D221G, D162G, D206G, D187G, D184G, D246G, D265G.
Identifiers: ClinVar variation 2125668 (VCV002125668.4), dbSNP rs2520288479, ClinGen allele CA412497640.